The following is an entry in ClinVar:

ClinVar aggregate classification (germline): Uncertain significance (1 of 4 stars; one submission).

Conditions:
Inborn genetic diseases. Identifiers: MedGen C0950123, MeSH D030342.

Submission:

Ambry Genetics
Classification: Uncertain significance for Inborn genetic diseases. Last evaluated: 2026-08-25. Review status: criteria provided, single submitter. Criteria: Ambry Variant Classification Scheme 2023. Collection method: clinical testing. Allele origin: germline.
Comment: The p.H242Q variant (also known as c.726C>A), located in coding exon 6 of the RUNX1 gene, results from a C to A substitution at nucleotide position 726. The histidine at codon 242 is replaced by glutamine, an amino acid with highly similar properties. This amino acid position is conserved. In addition, this alteration is predicted to be deleterious by in silico analysis. Based on the available evidence, the clinical significance of this variant remains unclear.

NM_001754.5(RUNX1):c.726C>A (p.His242Gln)

Gene: RUNX1 (RUNX family transcription factor 1; minus strand). Cytogenetic location: 21q22.12.
Variant type: single nucleotide variant.
Coding change: c.726C>A on transcript NM_001754.5 (MANE Select); coding-DNA position 726, C replaced by A.
Protein change: p.His242Gln; replaces histidine 242 with glutamine.
Molecular consequence: missense variant.
Genome position (GRCh38, 1-based): chr21:34,834,489, G>T on the plus strand (C>A on the coding strand, the complement: RUNX1 is on the minus strand). VCF-style: chr21-34834489-G-T. GRCh37 (hg19) VCF-style: chr21-36206786-G-T.
Other names: c.645C>A, p.His215Gln (NM_001001890.3, NM_001122607.2); short protein forms H215Q, H242Q.
Identifiers: ClinVar variation 5028606 (VCV005028606.1).